The following is an entry in ClinVar:

NM_001199107.2(TBC1D24):c.-134G>C

Genes: TBC1D24 (TBC1 domain family member 24; plus strand), LOC130058245 (ATAC-STARR-seq lymphoblastoid silent region 7054; plus strand). Cytogenetic location: 16p13.3.
Variant type: single nucleotide variant.
Coding change: c.-134G>C on transcript NM_001199107.2 (MANE Select); 134 bases upstream of the start codon, G replaced by C.
Molecular consequence: 5 prime UTR variant.
Genome position (GRCh38, 1-based): chr16:2,475,152, G>C. VCF-style: chr16-2475152-G-C. GRCh37 (hg19) VCF-style: chr16-2525153-G-C.
Other names: c.-134G>C (NM_020705.3).
Identifiers: ClinVar variation 508449 (VCV000508449.1), dbSNP rs1346593000, ClinGen allele CA658798520.
Genomic context (GRCh38, chr16:2,475,152, plus strand): 5'-GCTCGGCGGGGGCGGGGCCGAGCACGCGCGTGCGCAGAAAGGCCGGCGCGGCAGGCTGAG[G>C]AGAAAGCGGCGCGCGGAGGTGGGTGCGCTCGGGGCGTGCGGGGGGCGCGCGGCGGGGTGG-3'

ClinVar aggregate classification (germline): Likely benign (1 of 4 stars; one submission).

Allele frequency attached by ClinVar (database versions not stated): gnomAD 0.00001; TOPMed 0.00001.

Submission:

GeneDx
Classification: Likely benign. Last evaluated: 2017-04-03. Review status: criteria provided, single submitter. Criteria: GeneDx Variant Classification (06012015). Collection method: clinical testing. Allele origin: germline. Affected: yes.
Comment: This variant is considered likely benign or benign based on one or more of the following criteria: it is a conservative change, it occurs at a poorly conserved position in the protein, it is predicted to be benign by multiple in silico algorithms, and/or has population frequency not consistent with disease.